The following is an entry in ClinVar:

NM_152564.5(VPS13B):c.9686G>A (p.Arg3229Gln)

Gene: VPS13B (vacuolar protein sorting 13 homolog B; plus strand). Cytogenetic location: 8q22.2.
Variant type: single nucleotide variant.
Coding change: c.9686G>A on transcript NM_152564.5 (MANE Select); coding-DNA position 9686, G replaced by A.
Protein change: p.Arg3229Gln; replaces arginine 3229 with glutamine.
Molecular consequence: missense variant.
Genome position (GRCh38, 1-based): chr8:99,835,268, G>A. VCF-style: chr8-99835268-G-A. GRCh37 (hg19) VCF-style: chr8-100847496-G-A.
Other names: c.9761G>A, p.Arg3254Gln (NM_017890.5); c.9761G>A (NM_017890.3); short protein forms R3229Q, R3254Q.
Identifiers: ClinVar variation 528851 (VCV000528851.13), dbSNP rs769856598, ClinGen allele CA4824764.

ClinVar aggregate classification (germline): Uncertain significance. Review status: criteria provided, multiple submitters, no conflicts (2 of 4 stars). 4 submissions from 4 submitters: Uncertain significance (3). 1 of the submissions does not count toward it. Last evaluated 2022-06-01.

Conditions:
Inborn genetic diseases. Identifiers: MedGen C0950123, MeSH D030342.
Cohen syndrome (COH1). Also called: PEPPER SYNDROME; Cutis verticis gyrata, retinitis pigmentosa, and sensorineural deafness. Identifiers: Orphanet 193, MedGen C0265223, MONDO:0008999, OMIM 216550.

Allele frequency attached by ClinVar (database versions not stated): ExAC 0.00001; gnomAD 0.00001.
gnomAD v4.1: 20 of 1,613,550 alleles (0.0012%); highest among the groups gnomAD compares: South Asian, 0.0033%; no homozygotes.

Submissions (4):

Labcorp Genetics (formerly Invitae), Labcorp
Classification: Uncertain significance for Cohen syndrome. Last evaluated: 2022-06-01. Review status: criteria provided, single submitter. Criteria: Invitae Variant Classification Sherloc (09022015). Collection method: clinical testing. Allele origin: germline.
Comment: This sequence change replaces arginine, which is basic and polar, with glutamine, which is neutral and polar, at codon 3254 of the VPS13B protein (p.Arg3254Gln). This variant is present in population databases (rs769856598, gnomAD 0.003%). This variant has not been reported in the literature in individuals affected with VPS13B-related conditions. ClinVar contains an entry for this variant (Variation ID: 528851). Algorithms developed to predict the effect of missense changes on protein structure and function are either unavailable or do not agree on the potential impact of this missense change (SIFT: "Not Available"; PolyPhen-2: "Benign"; Align-GVGD: "Not Available"). In summary, the available evidence is currently insufficient to determine the role of this variant in disease. Therefore, it has been classified as a Variant of Uncertain Significance.

Ambry Genetics
Classification: Uncertain significance for Inborn genetic diseases. Last evaluated: 2022-04-22. Review status: criteria provided, single submitter. Criteria: Ambry Variant Classification Scheme 2023. Collection method: clinical testing. Allele origin: germline.

Mayo Clinic Laboratories, Mayo Clinic
Classification: Uncertain significance. Last evaluated: 2020-05-12. Review status: criteria provided, single submitter. Criteria: ACMG Guidelines, 2015. Collection method: clinical testing. Allele origin: germline. Observed: 1 variant allele.

Natera, Inc.
Classification: Uncertain significance for Cohen syndrome. Last evaluated: 2020-08-14. Review status: no assertion criteria provided. Collection method: clinical testing. Allele origin: germline. Not counted in ClinVar's aggregate classification.